The following is an entry in ClinVar:

ClinVar aggregate classification (germline): Uncertain significance. Review status: criteria provided, single submitter (1 of 4 stars). 2 submissions from 2 submitters: Uncertain significance (1). 1 of the submissions does not count toward it. Last evaluated 2025-01-27.

Conditions:
Congenital myasthenic syndrome 11. Also called: MYASTHENIC SYNDROME, CONGENITAL, Ie; Myasthenic syndrome, congenital, 11, associated with acetylcholine receptor deficiency. Identifiers: Orphanet 590, MedGen C4225367, MONDO:0014588, OMIM 616326.
Fetal akinesia deformation sequence 1 (FADS1). Also called: Pena-Shokeir syndrome type I; Fetal akinesia sequence. Identifiers: Orphanet 994, MedGen C1276035, MONDO:0100101, OMIM 208150, HP:0001989.
Congenital myasthenic syndrome (CMS). Also called: Congenital Myasthenic Syndromes. Identifiers: Orphanet 590, MedGen C0751882, MeSH D020294, MONDO:0018940.

Allele frequency attached by ClinVar (database versions not stated): gnomAD 0.00001; ExAC 0.00002; gnomAD exomes 0.00002; TOPMed 0.00002.
gnomAD v4.1: 26 of 1,614,112 alleles (0.0016%); highest among the groups gnomAD compares: East Asian, 0.0089%; no homozygotes.

Submissions (2):

Labcorp Genetics (formerly Invitae), Labcorp
Classification: Uncertain significance for Congenital myasthenic syndrome 11; Fetal akinesia deformation sequence 1. Last evaluated: 2025-01-27. Review status: criteria provided, single submitter. Criteria: Invitae Variant Classification Sherloc (09022015). Collection method: clinical testing. Allele origin: germline.
Comment: This sequence change replaces glutamine, which is neutral and polar, with lysine, which is basic and polar, at codon 8 of the RAPSN protein (p.Gln8Lys). This variant is present in population databases (rs11556408, gnomAD 0.03%). This variant has not been reported in the literature in individuals affected with RAPSN-related conditions. ClinVar contains an entry for this variant (Variation ID: 835811). Invitae Evidence Modeling of protein sequence and biophysical properties (such as structural, functional, and spatial information, amino acid conservation, physicochemical variation, residue mobility, and thermodynamic stability) indicates that this missense variant is not expected to disrupt RAPSN protein function with a negative predictive value of 95%. In summary, the available evidence is currently insufficient to determine the role of this variant in disease. Therefore, it has been classified as a Variant of Uncertain Significance.

Natera, Inc.
Classification: Uncertain significance for Congenital myasthenic syndrome. Last evaluated: 2020-03-21. Review status: no assertion criteria provided. Collection method: clinical testing. Allele origin: germline. Not counted in ClinVar's aggregate classification.

NM_005055.5(RAPSN):c.22C>A (p.Gln8Lys)

Gene: RAPSN (receptor associated protein of the synapse; minus strand). Cytogenetic location: 11p11.2.
Variant type: single nucleotide variant.
Coding change: c.22C>A on transcript NM_005055.5 (MANE Select); coding-DNA position 22, C replaced by A.
Protein change: p.Gln8Lys; replaces glutamine 8 with lysine.
Molecular consequence: missense variant.
Genome position (GRCh38, 1-based): chr11:47,448,943, G>T on the plus strand (C>A on the coding strand, the complement: RAPSN is on the minus strand). VCF-style: chr11-47448943-G-T. GRCh37 (hg19) VCF-style: chr11-47470495-G-T.
Other names: c.22C>A, p.Gln8Lys (NM_032645.5); short protein forms Q8K.
Identifiers: ClinVar variation 835811 (VCV000835811.5), dbSNP rs11556408, ClinGen allele CA5976854.